The following is an entry in ClinVar:

ClinVar aggregate classification (germline): Uncertain significance (1 of 4 stars; one submission).

gnomAD v4.1: 4 of 1,527,270 alleles (0.00026%); highest among the groups gnomAD compares: Non-Finnish European, 0.00035%; no homozygotes.

Submission:

Labcorp Genetics (formerly Invitae), Labcorp
Classification: Uncertain significance. Last evaluated: 2025-06-03. Review status: criteria provided, single submitter. Criteria: Invitae Variant Classification Sherloc (09022015). Collection method: clinical testing. Allele origin: germline.
Comment: This sequence change replaces serine, which is neutral and polar, with threonine, which is neutral and polar, at codon 14 of the TRPC6 protein (p.Ser14Thr). This variant is not present in population databases (gnomAD no frequency). This variant has not been reported in the literature in individuals affected with TRPC6-related conditions. Invitae Evidence Modeling of protein sequence and biophysical properties (such as structural, functional, and spatial information, amino acid conservation, physicochemical variation, residue mobility, and thermodynamic stability) indicates that this missense variant is not expected to disrupt TRPC6 protein function with a negative predictive value of 95%. In summary, the available evidence is currently insufficient to determine the role of this variant in disease. Therefore, it has been classified as a Variant of Uncertain Significance.

NM_004621.6(TRPC6):c.40T>A (p.Ser14Thr)

Gene: TRPC6 (transient receptor potential cation channel subfamily C member 6; minus strand). Cytogenetic location: 11q22.1.
Variant type: single nucleotide variant.
Coding change: c.40T>A on transcript NM_004621.6 (MANE Select); coding-DNA position 40, T replaced by A.
Protein change: p.Ser14Thr; replaces serine 14 with threonine.
Molecular consequence: missense variant.
Genome position (GRCh38, 1-based): chr11:101,583,464, A>T on the plus strand (T>A on the coding strand, the complement: TRPC6 is on the minus strand). VCF-style: chr11-101583464-A-T. GRCh37 (hg19) VCF-style: chr11-101454195-A-T.
Other names: c.40T>A, p.Ser14Thr (NM_001439335.1); short protein forms S14T.
Identifiers: ClinVar variation 4694447 (VCV004694447.1).